The following is an entry in ClinVar:

ClinVar aggregate classification (germline): Uncertain significance (1 of 4 stars; one submission).

Conditions:
Neuronal ceroid lipofuscinosis. Also called: Neuronal Ceroid Lipofuscinoses. Identifiers: Orphanet 216, Orphanet 79263, MedGen C0027877, MONDO:0016295. Disease mechanism: loss of function.

Allele frequency attached by ClinVar (database versions not stated): TOPMed below 0.00001; gnomAD 0.00001; gnomAD exomes 0.00001; ExAC 0.00004.
gnomAD v4.1: 10 of 1,606,114 alleles (0.00062%); highest among the groups gnomAD compares: East Asian, 0.011%; no homozygotes.

Submission:

Labcorp Genetics (formerly Invitae), Labcorp
Classification: Uncertain significance for Neuronal ceroid lipofuscinosis. Last evaluated: 2022-08-16. Review status: criteria provided, single submitter. Criteria: Invitae Variant Classification Sherloc (09022015). Collection method: clinical testing. Allele origin: germline.
Comment: This sequence change replaces lysine, which is basic and polar, with glutamic acid, which is acidic and polar, at codon 402 of the CLN5 protein (p.Lys402Glu). This variant is present in population databases (rs767924605, gnomAD 0.02%). This variant has not been reported in the literature in individuals affected with CLN5-related conditions. Algorithms developed to predict the effect of missense changes on protein structure and function (SIFT, PolyPhen-2, Align-GVGD) all suggest that this variant is likely to be tolerated. In summary, the available evidence is currently insufficient to determine the role of this variant in disease. Therefore, it has been classified as a Variant of Uncertain Significance.

NM_006493.4(CLN5):c.1057A>G (p.Lys353Glu)

Gene: CLN5 (CLN5 lysosomal BMP synthase; plus strand). Cytogenetic location: 13q22.3.
Variant type: single nucleotide variant.
Coding change: c.1057A>G on transcript NM_006493.4 (MANE Select); coding-DNA position 1057, A replaced by G.
Protein change: p.Lys353Glu; replaces lysine 353 with glutamic acid.
Molecular consequence: missense variant. On other transcripts: 3 prime UTR variant (1).
Genome position (GRCh38, 1-based): chr13:77,000,949, A>G. VCF-style: chr13-77000949-A-G. GRCh37 (hg19) VCF-style: chr13-77575084-A-G.
Other names: c.*506A>G (NM_001366624.2); short protein forms K353E, K402E.
Identifiers: ClinVar variation 2416530 (VCV002416530.2), dbSNP rs767924605, ClinGen allele CA7007290.